The following is an entry in ClinVar:

NM_003280.3(TNNC1):c.483G>T (p.Glu161Asp)

Gene: TNNC1 (troponin C1, slow skeletal and cardiac type; minus strand). Cytogenetic location: 3p21.1.
Variant type: single nucleotide variant.
Coding change: c.483G>T on transcript NM_003280.3 (MANE Select); coding-DNA position 483, G replaced by T.
Protein change: p.Glu161Asp; replaces glutamic acid 161 with aspartic acid.
Molecular consequence: missense variant.
Genome position (GRCh38, 1-based): chr3:52,451,278, C>A on the plus strand (G>T on the coding strand, the complement: TNNC1 is on the minus strand). VCF-style: chr3-52451278-C-A. GRCh37 (hg19) VCF-style: chr3-52485294-C-A.
Other names: short protein forms E161D.
Identifiers: ClinVar variation 3757734 (VCV003757734.2).

ClinVar aggregate classification (germline): Uncertain significance (1 of 4 stars; one submission).

Conditions:
Hypertrophic cardiomyopathy 13. Also called: TNNC1-Related Familial Hypertrophic Cardiomyopathy. Identifiers: MedGen C2750472, MONDO:0013195, OMIM 613243.
Dilated cardiomyopathy 1Z (CMD1Z). Identifiers: Orphanet 154, MedGen C2678475, MONDO:0012745, OMIM 611879.

Submission:

Labcorp Genetics (formerly Invitae), Labcorp
Classification: Uncertain significance for Hypertrophic cardiomyopathy 13; Dilated cardiomyopathy 1Z. Last evaluated: 2024-08-19. Review status: criteria provided, single submitter. Criteria: Invitae Variant Classification Sherloc (09022015). Collection method: clinical testing. Allele origin: germline.
Comment: This sequence change replaces glutamic acid, which is acidic and polar, with aspartic acid, which is acidic and polar, at codon 161 of the TNNC1 protein (p.Glu161Asp). This variant is not present in population databases (gnomAD no frequency). This variant has not been reported in the literature in individuals affected with TNNC1-related conditions. An algorithm developed to predict the effect of missense changes on protein structure and function (PolyPhen-2) suggests that this variant is likely to be tolerated. In summary, the available evidence is currently insufficient to determine the role of this variant in disease. Therefore, it has been classified as a Variant of Uncertain Significance.